The following is an entry in ClinVar:

ClinVar aggregate classification (germline): Uncertain significance (1 of 4 stars; one submission).

Conditions:
Lissencephaly due to TUBA1A mutation (CDCBM16). Also called: CORTICAL DYSPLASIA, COMPLEX, WITH OTHER BRAIN MALFORMATIONS 16; Lissencephaly 3. Identifiers: Orphanet 171680, MedGen C4305153, MONDO:0012703, OMIM 611603.

Submission:

3billion
Classification: Uncertain significance for Lissencephaly due to TUBA1A mutation. Last evaluated: 2025-02-19. Review status: criteria provided, single submitter. Criteria: ACMG Guidelines, 2015. Collection method: clinical testing. Allele origin: germline. Affected: yes.
Comment: The variant is not observed in the gnomAD v4.1.0 dataset. Predicted Consequence/Location: Missense variant. Missense changes are a common disease-causing mechanism. In silico tool predictions suggest damaging effect of the variant on gene or gene product [REVEL: 0.72 (>=0.6, sensitivity 0.68 and specificity 0.92); 3Cnet: 0.74 (>=0.6, sensitivity 0.72 and precision 0.9)]. Therefore, this variant is classified as VUS according to the recommendation of ACMG/AMP guideline.

NM_006009.4(TUBA1A):c.593C>G (p.Ser198Cys)

Gene: TUBA1A (tubulin alpha 1a; minus strand). Cytogenetic location: 12q13.12.
Variant type: single nucleotide variant.
Coding change: c.593C>G on transcript NM_006009.4 (MANE Select); coding-DNA position 593, C replaced by G.
Protein change: p.Ser198Cys; replaces serine 198 with cysteine.
Molecular consequence: missense variant.
Genome position (GRCh38, 1-based): chr12:49,185,773, G>C on the plus strand (C>G on the coding strand, the complement: TUBA1A is on the minus strand). VCF-style: chr12-49185773-G-C. GRCh37 (hg19) VCF-style: chr12-49579556-G-C.
Other names: c.593C>G, p.Ser198Cys (NM_001270399.2); c.488C>G, p.Ser163Cys (NM_001270400.2); short protein forms S163C, S198C.
Identifiers: ClinVar variation 4291991 (VCV004291991.1).